The following is an entry in ClinVar:

NM_182914.3(SYNE2):c.4231T>C (p.Ser1411Pro)

Gene: SYNE2 (spectrin repeat containing nuclear envelope protein 2; plus strand). Cytogenetic location: 14q23.2.
Variant type: single nucleotide variant.
Coding change: c.4231T>C on transcript NM_182914.3 (MANE Select); coding-DNA position 4231, T replaced by C.
Protein change: p.Ser1411Pro; replaces serine 1411 with proline.
Molecular consequence: missense variant.
Genome position (GRCh38, 1-based): chr14:64,003,164, T>C. VCF-style: chr14-64003164-T-C. GRCh37 (hg19) VCF-style: chr14-64469882-T-C.
Other names: c.4231T>C, p.Ser1411Pro (NM_015180.6); short protein forms S1411P.
Identifiers: ClinVar variation 861035 (VCV000861035.13), dbSNP rs748414819, ClinGen allele CA7220161.

ClinVar aggregate classification (germline): Uncertain significance. Review status: criteria provided, multiple submitters, no conflicts (2 of 4 stars). 3 submissions from 3 submitters: Uncertain significance (3). Last evaluated 2022-03-22.

Conditions:
Emery-Dreifuss muscular dystrophy 5, autosomal dominant (EDMD5). Also called: EMERY-DREIFUSS MUSCULAR DYSTROPHY 5. Identifiers: Orphanet 261, MedGen C2751805, MONDO:0013072, OMIM 612999.

Allele frequency attached by ClinVar (database versions not stated): gnomAD 0.00001 and 0.00003; TOPMed 0.00001; ExAC 0.00003; gnomAD exomes 0.00003.
gnomAD v4.1: 45 of 1,614,212 alleles (0.0028%); highest among the groups gnomAD compares: Middle Eastern, 0.049%; 1 homozygote.

Submissions (3):

Labcorp Genetics (formerly Invitae), Labcorp
Classification: Uncertain significance for Emery-Dreifuss muscular dystrophy 5, autosomal dominant. Last evaluated: 2022-03-22. Review status: criteria provided, single submitter. Criteria: Invitae Variant Classification Sherloc (09022015). Collection method: clinical testing. Allele origin: germline.
Comment: This sequence change replaces serine, which is neutral and polar, with proline, which is neutral and non-polar, at codon 1411 of the SYNE2 protein (p.Ser1411Pro). This variant is present in population databases (rs748414819, gnomAD 0.02%). This variant has not been reported in the literature in individuals affected with SYNE2-related conditions. ClinVar contains an entry for this variant (Variation ID: 861035). Algorithms developed to predict the effect of missense changes on protein structure and function output the following: SIFT: "Tolerated"; PolyPhen-2: "Possibly Damaging"; Align-GVGD: "Class C0". The proline amino acid residue is found in multiple mammalian species, which suggests that this missense change does not adversely affect protein function. In summary, the available evidence is currently insufficient to determine the role of this variant in disease. Therefore, it has been classified as a Variant of Uncertain Significance.

Revvity Omics, Revvity
Classification: Uncertain significance for Emery-Dreifuss muscular dystrophy 5, autosomal dominant. Last evaluated: 2019-08-21. Review status: criteria provided, single submitter. Criteria: ACMG Guidelines, 2015. Collection method: clinical testing. Allele origin: germline.

Baylor Genetics
Classification: Uncertain significance for Emery-Dreifuss muscular dystrophy 5, autosomal dominant. Last evaluated: 2019-04-18. Review status: criteria provided, single submitter. Criteria: ACMG Guidelines, 2015. Collection method: clinical testing. Allele origin: paternal. Affected: yes.
Comment: This variant was determined to be of uncertain significance according to ACMG Guidelines, 2015 [PMID:25741868].